The following is an entry in ClinVar:

ClinVar aggregate classification (germline): Uncertain significance (1 of 4 stars; one submission).

Submission:

Ambry Genetics
Classification: Uncertain significance. Last evaluated: 2022-06-24. Review status: criteria provided, single submitter. Criteria: Ambry Variant Classification Scheme 2023. Collection method: clinical testing. Allele origin: germline.
Comment: The p.K86R variant (also known as c.257A>G), located in coding exon 4 of the RPS20 gene, results from an A to G substitution at nucleotide position 257. The lysine at codon 86 is replaced by arginine, an amino acid with highly similar properties. This amino acid position is conserved. In addition, this alteration is predicted to be deleterious by in silico analysis. Since supporting evidence is limited at this time, the clinical significance of this alteration remains unclear.

NM_001023.4(RPS20):c.257A>G (p.Lys86Arg)

Gene: RPS20 (ribosomal protein S20; minus strand). Cytogenetic location: 8q12.1.
Variant type: single nucleotide variant.
Coding change: c.257A>G on transcript NM_001023.4 (MANE Select); coding-DNA position 257, A replaced by G.
Protein change: p.Lys86Arg; replaces lysine 86 with arginine.
Molecular consequence: missense variant.
Genome position (GRCh38, 1-based): chr8:56,073,193, T>C on the plus strand (A>G on the coding strand, the complement: RPS20 is on the minus strand). VCF-style: chr8-56073193-T-C. GRCh37 (hg19) VCF-style: chr8-56985752-T-C.
Other names: c.257A>G, p.Lys86Arg (NM_001146227.3); short protein forms K86R.
Identifiers: ClinVar variation 1793345 (VCV001793345.2), dbSNP rs2486981929, ClinGen allele CA371282943.